The following is an entry in ClinVar:

NM_020822.3(KCNT1):c.2008+238A>G

Gene: KCNT1 (potassium sodium-activated channel subfamily T member 1; plus strand). Cytogenetic location: 9q34.3.
Variant type: single nucleotide variant.
Coding change: c.2008+238A>G on transcript NM_020822.3 (MANE Select); 238 bases into the intron after coding-DNA position 2008, A replaced by G.
Molecular consequence: intron variant.
Genome position (GRCh38, 1-based): chr9:135,771,333, A>G. VCF-style: chr9-135771333-A-G. GRCh37 (hg19) VCF-style: chr9-138663179-A-G.
Other names: c.1873+238A>G (NM_001272003.2).
Identifiers: ClinVar variation 682129 (VCV000682129.1), dbSNP rs7856882, ClinGen allele CA12975880.
Genomic context (GRCh38, chr9:135,771,333, plus strand): 5'-GCAGGGCGGGAGACCAGGTGGGACAGGAGACCAGACCGGGCAGGGCAGGAGACCAGGCCA[A>G]TGTGGCCCCCAGACCCAGTTCCTCTTGGCCTATGCCTCCAACCTTGGACAGGTGGAGTCT-3'

ClinVar aggregate classification (germline): Benign (1 of 4 stars; one submission).

Allele frequency attached by ClinVar (database versions not stated): 1000 Genomes Project 0.51937; TOPMed 0.52021; gnomAD 0.52646 and 0.53015; 1000 Genomes Project 30x 0.52733.

Submission:

GeneDx
Classification: Benign. Last evaluated: 2018-06-14. Review status: criteria provided, single submitter. Criteria: GeneDx Variant Classification (06012015). Collection method: clinical testing. Allele origin: germline. Affected: yes.
Comment: This variant is considered likely benign or benign based on one or more of the following criteria: it is a conservative change, it occurs at a poorly conserved position in the protein, it is predicted to be benign by multiple in silico algorithms, and/or has population frequency not consistent with disease.